The following is an entry in ClinVar:

NM_000218.3(KCNQ1):c.1394-16604C>T

Genes: KCNQ1 (potassium voltage-gated channel subfamily Q member 1; plus strand), KCNQ1OT1 (KCNQ1 opposite strand/antisense transcript 1; minus strand). Cytogenetic location: 11p15.5.
Variant type: single nucleotide variant.
Coding change: c.1394-16604C>T on transcript NM_000218.3 (MANE Select); 16604 bases into the intron before coding-DNA position 1394, C replaced by T.
Molecular consequence: intron variant. On other transcripts: non-coding transcript variant (1).
Genome position (GRCh38, 1-based): chr11:2,645,357, C>T. VCF-style: chr11-2645357-C-T. GRCh37 (hg19) VCF-style: chr11-2666587-C-T.
Other names: c.1124-16604C>T (NM_001406837.1); c.1298-16604C>T (NM_001406836.1); c.854-16604C>T (NM_001406838.1); c.1013-16604C>T (NM_181798.2).
Identifiers: ClinVar variation 2641420 (VCV002641420.24), dbSNP rs1005690777, ClinGen allele CA216157861.

ClinVar aggregate classification (germline): Benign (1 of 4 stars; one submission).

Allele frequency attached by ClinVar (database versions not stated): TOPMed 0.00006; gnomAD exomes 0.00009; gnomAD 0.00012.
gnomAD v4.1: 42 of 398,732 alleles (0.011%); highest among the groups gnomAD compares: South Asian, 0.27%; no homozygotes.

Submission:

CeGaT Center for Human Genetics Tuebingen
Classification: Benign. Last evaluated: 2022-10-01. Review status: criteria provided, single submitter. Criteria: CeGaT Center For Human Genetics Tuebingen Variant Classification Criteria Version 2. Collection method: clinical testing. Allele origin: germline. Affected: yes. Observed: 1 variant allele.
Comment: KCNQ1OT1: BS1, BS2